The following is an entry in ClinVar:

ClinVar aggregate classification (germline): Uncertain significance (1 of 4 stars; one submission).

gnomAD v4.1: 1 of 1,557,902 alleles (0.000064%); highest among the groups gnomAD compares: Middle Eastern, 0.017%; no homozygotes.

Submission:

Ambry Genetics
Classification: Uncertain significance. Last evaluated: 2025-05-05. Review status: criteria provided, single submitter. Criteria: Ambry Variant Classification Scheme 2023. Collection method: clinical testing. Allele origin: germline.
Comment: The p.D1772H variant (also known as c.5314G>C), located in coding exon 22 of the WNK2 gene, results from a G to C substitution at nucleotide position 5314. The aspartic acid at codon 1772 is replaced by histidine, an amino acid with similar properties. This amino acid position is conserved. In addition, the in silico prediction for this alteration is inconclusive. Based on the available evidence, the clinical significance of this variant remains unclear.

NM_006648.4(WNK2):c.5314G>C (p.Asp1772His)

Gene: WNK2 (WNK lysine deficient protein kinase 2; plus strand). Cytogenetic location: 9q22.31.
Variant type: single nucleotide variant.
Coding change: c.5314G>C on transcript NM_006648.4 (MANE Select); coding-DNA position 5314, G replaced by C.
Protein change: p.Asp1772His; replaces aspartic acid 1772 with histidine.
Molecular consequence: missense variant.
Genome position (GRCh38, 1-based): chr9:93,292,779, G>C. VCF-style: chr9-93292779-G-C. GRCh37 (hg19) VCF-style: chr9-96055061-G-C.
Other names: c.5425G>C, p.Asp1809His (NM_001282394.3); short protein forms D1809H, D1772H.
Identifiers: ClinVar variation 3982002 (VCV003982002.1).
Genomic context (GRCh38, chr9:93,292,779, plus strand): 5'-AGCACTCAGGACGAGTGGACCCTGGCCTCCCCCCACAGCCTGAGATACTCTGCCCCACCC[G>C]ACGTCTACCTGGACGAGGCCCCCTCCAGCCCCGACGTGAAGCTGGCAGTGCGGCGGGCGC-3'
Protein context (NP_006639.3, residues 1762-1782): PHSLRYSAPP[Asp1772His]VYLDEAPSSP